The following is an entry in ClinVar:

ClinVar aggregate classification (germline): Pathogenic. Review status: criteria provided, multiple submitters, no conflicts (2 of 4 stars). 4 submissions from 4 submitters: Pathogenic (3). 1 of the submissions does not count toward it. Last evaluated 2025-01-28.

Conditions:
3 beta-Hydroxysteroid dehydrogenase deficiency. Also called: Congenital adrenal hyperplasia due to 3-beta-hydroxysteroid dehydrogenase deficiency; 3-BETA-HSD DEFICIENCY; ADRENAL HYPERPLASIA II; ADRENAL HYPERPLASIA, CONGENITAL, DUE TO 3-BETA-HYDROXYSTEROID DEHYDROGENASE 2 DEFICIENCY; 3b-hydroxysteroid dehydrogenase deficiency. Identifiers: Orphanet 90791, MedGen C0342471, MeSH C538236, MONDO:0008727, OMIM 201810. Disease mechanism: loss of function.

Allele frequency attached by ClinVar (database versions not stated): gnomAD exomes below 0.00001.
gnomAD v4.1: 4 of 1,614,064 alleles (0.00025%); highest among the groups gnomAD compares: Non-Finnish European, 0.00034%; no homozygotes.

Submissions (4):

Natera, Inc.
Classification: Pathogenic for 3 beta hydroxysteroid dehydrogenase deficiency. Last evaluated: 2025-01-28. Review status: criteria provided, single submitter. Criteria: Natera Variant Classification Schema (03/2026). Collection method: clinical testing. Allele origin: germline.
Comment: The c.512G>A variant in HSD3B2 is a nonsense variant predicted to introduce a stop codon at amino acid 171. This variant is expected to result in nonsense mediated decay, truncation, or a dysfunctional protein product. This variant is rare in the general population with a frequency below the threshold expected for the associated phenotype(s). This variant has been observed in one or more individuals affected with the associated recessive disease, as either homozygous or compound heterozygous with a second variant (PMID: 27626911, 8316254). Given the available evidence, this variant is classified as Pathogenic.

Fulgent Genetics
Classification: Pathogenic for 3 beta-Hydroxysteroid dehydrogenase deficiency. Last evaluated: 2024-03-28. Review status: criteria provided, single submitter. Criteria: ACMG Guidelines, 2015. Collection method: clinical testing. Allele origin: germline.

Labcorp Genetics (formerly Invitae), Labcorp
Classification: Pathogenic. Last evaluated: 2023-05-01. Review status: criteria provided, single submitter. Criteria: Invitae Variant Classification Sherloc (09022015). Collection method: clinical testing. Allele origin: germline.
Comment: For these reasons, this variant has been classified as Pathogenic. This variant disrupts the C-terminus of the HSD3B2 protein, which has been demonstrated to be critical for enzymatic activity (PMID: 1825279). While functional studies have not been performed to directly test the effect of this variant on HSD3B2 protein function, this suggests that disruption of this region of the protein is causative of disease. ClinVar contains an entry for this variant (Variation ID: 12184). This premature translational stop signal has been observed in individual(s) with adrenal hyperplasia (PMID: 1363812, 27626911). In at least one individual the data is consistent with being in trans (on the opposite chromosome) from a pathogenic variant. It has also been observed to segregate with disease in related individuals. This variant is not present in population databases (gnomAD no frequency). This sequence change creates a premature translational stop signal (p.Trp171*) in the HSD3B2 gene. While this is not anticipated to result in nonsense mediated decay, it is expected to disrupt the last 202 amino acid(s) of the HSD3B2 protein.

OMIM
Classification: Pathogenic for ADRENAL HYPERPLASIA, CONGENITAL, DUE TO 3-BETA-HYDROXYSTEROID DEHYDROGENASE 2 DEFICIENCY. Last evaluated: 1992-07-01. Review status: no assertion criteria provided. Collection method: literature only. Allele origin: germline. Not counted in ClinVar's aggregate classification.

Literature cited by the submitters: PubMed 27626911 (cited by Natera, Inc. and Labcorp Genetics (formerly Invitae), Labcorp); PubMed 8316254 (cited by Natera, Inc.); PubMed 1825279 (cited by Labcorp Genetics (formerly Invitae), Labcorp); PubMed 1363812 (cited by Labcorp Genetics (formerly Invitae), Labcorp and OMIM); PubMed 295036 (cited by OMIM).

NM_000198.4(HSD3B2):c.512G>A (p.Trp171Ter)

Gene: HSD3B2 (hydroxy-delta-5-steroid dehydrogenase, 3 beta- and steroid delta-isomerase 2; plus strand). Cytogenetic location: 1p12.
Variant type: single nucleotide variant.
Coding change: c.512G>A on transcript NM_000198.4 (MANE Select); coding-DNA position 512, G replaced by A.
Protein change: p.Trp171Ter; replaces tryptophan 171 with a stop codon.
Molecular consequence: nonsense.
Genome position (GRCh38, 1-based): chr1:119,422,013, G>A. VCF-style: chr1-119422013-G-A. GRCh37 (hg19) VCF-style: chr1-119964636-G-A.
Other names: c.512G>A, p.Trp171Ter (NM_001166120.2); c.512G>A (NM_000198.3); short protein forms W171*.
Identifiers: ClinVar variation 12184 (VCV000012184.12), dbSNP rs80358216, ClinGen allele CA121921.